The following is an entry in ClinVar:

ClinVar aggregate classification (germline): Benign. Review status: criteria provided, multiple submitters, no conflicts (2 of 4 stars). 3 submissions from 3 submitters: Benign (3). Last evaluated 2018-06-16.

Conditions:
Pyruvate dehydrogenase E3-binding protein deficiency (PDHXD). Also called: E3-Binding Protein (Component X) Deficiency; LACTIC ACIDEMIA DUE TO DEFECT IN LIPOYL-CONTAINING COMPONENT X OF THE PYRUVATE DEHYDROGENASE COMPLEX; Lacticacidemia due to PDX1 deficiency; PYRUVATE HYDROGENASE E3-BINDING PROTEIN DEFICIENCY. Identifiers: Orphanet 255182, MedGen C1855553, MONDO:0009503, OMIM 245349.

Allele frequency attached by ClinVar (database versions not stated): gnomAD exomes 0.00619; gnomAD 0.04766 and 0.05112; 1000 Genomes Project 0.05451; TOPMed 0.05585; 1000 Genomes Project 30x 0.05840.
gnomAD v4.1: 10,494 of 643,752 alleles (1.6%); highest among the groups gnomAD compares: African/African-American, 16%; 738 homozygotes.

Submissions (3):

GeneDx
Classification: Benign. Last evaluated: 2018-06-16. Review status: criteria provided, single submitter. Criteria: GeneDx Variant Classification Process June 2021. Collection method: clinical testing. Allele origin: germline. Affected: yes.

Illumina Laboratory Services, Illumina
Classification: Benign for Pyruvate dehydrogenase E3-binding protein deficiency. Last evaluated: 2018-01-12. Review status: criteria provided, single submitter. Criteria: ICSL Variant Classification Criteria 13 December 2019. Collection method: clinical testing. Allele origin: germline.
Comment: This variant was observed in the ICSL laboratory as part of a predisposition screen in an ostensibly healthy population. It had not been previously curated by ICSL or reported in the Human Gene Mutation Database (HGMD: prior to June 1st, 2018), and was therefore a candidate for classification through an automated scoring system. Utilizing variant allele frequency, disease prevalence and penetrance estimates, and inheritance mode, an automated score was calculated to assess if this variant is too frequent to cause the disease. Based on the score and internal cut-off values, a variant classified as benign is not then subjected to further curation. The score for this variant resulted in a classification of benign for this disease.

Breakthrough Genomics
Classification: Benign. Review status: criteria provided, single submitter. Criteria: ACMG Guidelines, 2015. Collection method: not provided. Allele origin: germline. Inheritance: Autosomal recessive inheritance. Affected: yes.

NM_003477.3(PDHX):c.*173G>A

Gene: PDHX (pyruvate dehydrogenase complex component X; plus strand). Cytogenetic location: 11p13.
Variant type: single nucleotide variant.
Coding change: c.*173G>A on transcript NM_003477.3 (MANE Select); 173 bases downstream of the stop codon, G replaced by A.
Molecular consequence: 3 prime UTR variant.
Genome position (GRCh38, 1-based): chr11:34,995,345, G>A. VCF-style: chr11-34995345-G-A. GRCh37 (hg19) VCF-style: chr11-35016892-G-A.
Other names: c.*173G>A (NM_001135024.2, NM_001166158.2).
Identifiers: ClinVar variation 304477 (VCV000304477.8), dbSNP rs75863418, ClinGen allele CA10638369.